The following is an entry in ClinVar:

NM_016333.4(SRRM2):c.283C>G (p.Arg95Gly)

Gene: SRRM2 (serine/arginine repetitive matrix 2; plus strand). Cytogenetic location: 16p13.3.
Variant type: single nucleotide variant.
Coding change: c.283C>G on transcript NM_016333.4 (MANE Select); coding-DNA position 283, C replaced by G.
Protein change: p.Arg95Gly; replaces arginine 95 with glycine.
Molecular consequence: missense variant.
Genome position (GRCh38, 1-based): chr16:2,757,512, C>G. VCF-style: chr16-2757512-C-G. GRCh37 (hg19) VCF-style: chr16-2807513-C-G.
Other names: short protein forms R95G.
Identifiers: ClinVar variation 3369247 (VCV003369247.1).

ClinVar aggregate classification (germline): Uncertain significance (1 of 4 stars; one submission).

Submission:

GeneDx
Classification: Uncertain significance. Last evaluated: 2024-02-13. Review status: criteria provided, single submitter. Criteria: GeneDx Variant Classification Process June 2021. Collection method: clinical testing. Allele origin: germline. Affected: yes.
Comment: Not observed at significant frequency in large population cohorts (gnomAD); In silico analysis supports that this missense variant has a deleterious effect on protein structure/function; Has not been previously published as pathogenic or benign to our knowledge